The following is an entry in ClinVar:

NM_020975.6(RET):c.1776G>C (p.Gly592=)

Gene: RET (ret proto-oncogene; plus strand). Cytogenetic location: 10q11.21.
Variant type: single nucleotide variant.
Coding change: c.1776G>C on transcript NM_020975.6 (MANE Select); coding-DNA position 1776, G replaced by C.
Protein change: p.Gly592=; no amino-acid change (glycine 592 retained).
Molecular consequence: synonymous variant. On other transcripts: intron variant (2).
Genome position (GRCh38, 1-based): chr10:43,113,572, G>C. VCF-style: chr10-43113572-G-C. GRCh37 (hg19) VCF-style: chr10-43609020-G-C.
Other names: c.1776G>C, p.Gly592= (NM_000323.2, NM_001406743.1, NM_001406744.1 and 6 more transcripts); c.1014G>C, p.Gly338= (NM_001355216.2); c.1647G>C, p.Gly549= (NM_001406761.1, NM_001406762.1, NM_001406764.1 and 1 more transcripts); c.1488G>C, p.Gly496= (NM_001406766.1, NM_001406767.1, NM_001406770.1); c.1380G>C, p.Gly460= (NM_001406769.1, NM_001406772.1); c.1338G>C, p.Gly446= (NM_001406771.1, NM_001406773.1); c.1251G>C, p.Gly417= (NM_001406774.1); c.1050G>C, p.Gly350= (NM_001406775.1, NM_001406776.1, NM_001406777.1 and 1 more transcripts); and 7 more.
Identifiers: ClinVar variation 1779883 (VCV001779883.3), dbSNP rs2132826945, ClinGen allele CA469027834.
Genomic context (GRCh38, chr10:43,113,572, plus strand): 5'-GGTCAGGCGCCCCAGGAGGCTGAGTGGGCTACGTCTGCCCTCAGGGGGCAGCATTGTTGG[G>C]GGACACGAGCCTGGGGAGCCCCGGGGGATTAAAGCTGGCTATGGCACCTGCAACTGCTTC-3'
Protein context (NP_066124.1, residues 582-602): PQDCLRGSIV[Gly592=]GHEPGEPRGI

ClinVar aggregate classification (germline): Benign/Likely benign. Review status: criteria provided, multiple submitters, no conflicts (2 of 4 stars). 2 submissions from 2 submitters: Benign (1); Likely benign (1). Last evaluated 2025-02-26.

Conditions:
Hereditary cancer-predisposing syndrome. Also called: Neoplastic Syndromes, Hereditary; Tumor predisposition; Hereditary Cancer Syndrome; Hereditary neoplastic syndrome. Identifiers: Orphanet 140162, MedGen C0027672, MeSH D009386, MONDO:0015356.
Multiple endocrine neoplasia type 2A. Also called: Multiple Endocrine Neoplasia Type 2A (MEN2A); MULTIPLE ENDOCRINE NEOPLASIA, TYPE IIA; PTC SYNDROME; SIPPLE SYNDROME; MEN 2A; MEN-2A syndrome. Identifiers: Orphanet 247698, Orphanet 653, MedGen C0025268, MeSH D018813, MONDO:0008234, OMIM 171400.

Submissions (2):

Myriad Genetics, Inc.
Classification: Benign for Multiple endocrine neoplasia type 2A. Last evaluated: 2025-02-26. Review status: criteria provided, single submitter. Criteria: Myriad Autosomal Dominant, Autosomal Recessive and X-Linked Classification Criteria (2023). Collection method: clinical testing. Allele origin: unknown.
Comment: This variant is considered benign. This variant is a silent/synonymous amino acid change and it is not expected to impact splicing.

Ambry Genetics
Classification: Likely benign for Hereditary cancer-predisposing syndrome. Last evaluated: 2022-05-09. Review status: criteria provided, single submitter. Criteria: Ambry Variant Classification Scheme 2023. Collection method: clinical testing. Allele origin: germline.